The following is an entry in ClinVar:

NM_017460.6(CYP3A4):c.1463C>A (p.Pro488His)

Gene: CYP3A4 (cytochrome P450 family 3 subfamily A member 4; minus strand). Cytogenetic location: 7q22.1.
Variant type: single nucleotide variant.
Coding change: c.1463C>A on transcript NM_017460.6 (MANE Select); coding-DNA position 1463, C replaced by A.
Protein change: p.Pro488His; replaces proline 488 with histidine.
Molecular consequence: missense variant.
Genome position (GRCh38, 1-based): chr7:99,758,182, G>T on the plus strand (C>A on the coding strand, the complement: CYP3A4 is on the minus strand). VCF-style: chr7-99758182-G-T. GRCh37 (hg19) VCF-style: chr7-99355805-G-T.
Other names: c.1460C>A, p.Pro487His (NM_001202855.3); short protein forms P488H, P487H.
Identifiers: ClinVar variation 228545 (VCV000228545.4), dbSNP rs765598920, ClinGen allele CA4369454.

ClinVar aggregate classification (germline): Uncertain significance (1 of 4 stars; one submission).

Allele frequency attached by ClinVar (database versions not stated): ExAC 0.00002; gnomAD exomes 0.00003 and 0.00008; gnomAD 0.00004; TOPMed 0.00004.
gnomAD v4.1: 120 of 1,613,814 alleles (0.0074%); highest among the groups gnomAD compares: Non-Finnish European, 0.0099%; no homozygotes.

Submission:

Laboratory for Molecular Medicine, Mass General Brigham Personalized Medicine
Classification: Uncertain significance. Last evaluated: 2015-08-25. Review status: criteria provided, single submitter. Criteria: LMM Criteria. Collection method: clinical testing. Allele origin: germline. Observed: 1 variant allele.
Comment: The p.Pro488His variant in CYP3A4 has not been previously reported in individual s with disease, but has been identified in 3/66686 European chromosomes by the E xome Aggregation Consortium (ExAC; dbSNP rs76559 8920). Computational prediction tools and conservation analysis do not provide s trong support for or against an impact to the protein. In summary, the clinical significance of the p.Pro488His variant is uncertain.